The following is an entry in ClinVar:

NM_133259.4(LRPPRC):c.2443C>G (p.Leu815Val)

Gene: LRPPRC (leucine rich pentatricopeptide repeat containing; minus strand). Cytogenetic location: 2p21.
Variant type: single nucleotide variant.
Coding change: c.2443C>G on transcript NM_133259.4 (MANE Select); coding-DNA position 2443, C replaced by G.
Protein change: p.Leu815Val; replaces leucine 815 with valine.
Molecular consequence: missense variant.
Genome position (GRCh38, 1-based): chr2:43,943,748, G>C on the plus strand (C>G on the coding strand, the complement: LRPPRC is on the minus strand). VCF-style: chr2-43943748-G-C. GRCh37 (hg19) VCF-style: chr2-44170887-G-C.
Other names: short protein forms L815V.
Identifiers: ClinVar variation 3539765 (VCV003539765.2).

ClinVar aggregate classification (germline): Uncertain significance. Review status: criteria provided, multiple submitters, no conflicts (2 of 4 stars). 2 submissions from 2 submitters: Uncertain significance (2). Last evaluated 2025-12-16.

Conditions:
Inborn genetic diseases. Identifiers: MedGen C0950123, MeSH D030342.

gnomAD v4.1: 6 of 1,613,386 alleles (0.00037%); highest among the groups gnomAD compares: African/African-American, 0.0053%; no homozygotes.

Submissions (2):

Labcorp Genetics (formerly Invitae), Labcorp
Classification: Uncertain significance. Last evaluated: 2025-12-16. Review status: criteria provided, single submitter. Criteria: Invitae Variant Classification Sherloc (09022015). Collection method: clinical testing. Allele origin: germline.
Comment: This sequence change replaces leucine, which is neutral and non-polar, with valine, which is neutral and non-polar, at codon 815 of the LRPPRC protein (p.Leu815Val). This variant is present in population databases (rs753831772, gnomAD 0.02%). This variant has not been reported in the literature in individuals affected with LRPPRC-related conditions. ClinVar contains an entry for this variant (Variation ID: 3539765). Invitae Evidence Modeling of protein sequence and biophysical properties (such as structural, functional, and spatial information, amino acid conservation, physicochemical variation, residue mobility, and thermodynamic stability) has been performed for this missense variant. However, the output from this modeling did not meet the statistical confidence thresholds required to predict the impact of this variant on LRPPRC protein function. In summary, the available evidence is currently insufficient to determine the role of this variant in disease. Therefore, it has been classified as a Variant of Uncertain Significance.

Ambry Genetics
Classification: Uncertain significance for Inborn genetic diseases. Last evaluated: 2024-09-09. Review status: criteria provided, single submitter. Criteria: Ambry Variant Classification Scheme 2023. Collection method: clinical testing. Allele origin: germline.